The following is an entry in ClinVar:

NM_004958.4(MTOR):c.1903C>T (p.His635Tyr)

Gene: MTOR (mechanistic target of rapamycin kinase; minus strand). Cytogenetic location: 1p36.22.
Variant type: single nucleotide variant.
Coding change: c.1903C>T on transcript NM_004958.4 (MANE Select); coding-DNA position 1903, C replaced by T.
Protein change: p.His635Tyr; replaces histidine 635 with tyrosine.
Molecular consequence: missense variant.
Genome position (GRCh38, 1-based): chr1:11,238,501, G>A on the plus strand (C>T on the coding strand, the complement: MTOR is on the minus strand). VCF-style: chr1-11238501-G-A. GRCh37 (hg19) VCF-style: chr1-11298558-G-A.
Other names: c.1903C>T, p.His635Tyr (NM_001386500.1); c.655C>T, p.His219Tyr (NM_001386501.1); short protein forms H219Y, H635Y.
Identifiers: ClinVar variation 1720129 (VCV001720129.5), dbSNP rs1647509201, ClinGen allele CA338389518.
Genomic context (GRCh38, chr1:11,238,501, plus strand): 5'-CATCTGCCACCACTTGCACTGCGGTCTGGCTAACCACATGAGCATGGCCACTGATGAGGT[G>A]GATGGAGGGTGTGAGCAGGCGGGAGCAGGTGCGGGCAGCCTCCATGCGGATCTCCTTGTG-3'
Protein context (NP_004949.1, residues 625-645): TCSRLLTPSI[His635Tyr]LISGHAHVVS

ClinVar aggregate classification (germline): Uncertain significance (1 of 4 stars; one submission).

Allele frequency attached by ClinVar (database versions not stated): gnomAD 0.00001; TOPMed 0.00002.
gnomAD v4.1: 1 of 1,614,082 alleles (0.000062%); highest among the groups gnomAD compares: African/African-American, 0.0013%; no homozygotes.

Submission:

Labcorp Genetics (formerly Invitae), Labcorp
Classification: Uncertain significance. Last evaluated: 2022-09-23. Review status: criteria provided, single submitter. Criteria: Invitae Variant Classification Sherloc (09022015). Collection method: clinical testing. Allele origin: germline.
Comment: This variant is not present in population databases (gnomAD no frequency). This sequence change replaces histidine, which is basic and polar, with tyrosine, which is neutral and polar, at codon 635 of the MTOR protein (p.His635Tyr). This variant has not been reported in the literature in individuals affected with MTOR-related conditions. Advanced modeling of protein sequence and biophysical properties (such as structural, functional, and spatial information, amino acid conservation, physicochemical variation, residue mobility, and thermodynamic stability) performed at Invitae indicates that this missense variant is not expected to disrupt MTOR protein function. In summary, the available evidence is currently insufficient to determine the role of this variant in disease. Therefore, it has been classified as a Variant of Uncertain Significance.